The following is an entry in ClinVar:

NM_006904.7(PRKDC):c.6064C>G (p.Pro2022Ala)

Gene: PRKDC (protein kinase, DNA-activated, catalytic subunit; minus strand). Cytogenetic location: 8q11.21.
Variant type: single nucleotide variant.
Coding change: c.6064C>G on transcript NM_006904.7 (MANE Select); coding-DNA position 6064, C replaced by G.
Protein change: p.Pro2022Ala; replaces proline 2022 with alanine.
Molecular consequence: missense variant.
Genome position (GRCh38, 1-based): chr8:47,859,754, G>C on the plus strand (C>G on the coding strand, the complement: PRKDC is on the minus strand). VCF-style: chr8-47859754-G-C. GRCh37 (hg19) VCF-style: chr8-48772315-G-C.
Other names: c.6064C>G, p.Pro2022Ala (NM_001081640.2); short protein forms P2022A.
Identifiers: ClinVar variation 2449856 (VCV002449856.2), dbSNP rs2551870263, ClinGen allele CA371161427.
Genomic context (GRCh38, chr8:47,859,754, plus strand): 5'-GACTCATTTCCTCACTCAGGGTACTGTCTGCCAAATATGACAGGGAAGACATATAGGAAG[G>C]ACCATCTGAAATATAAAAAAGGAGAAAATTACATGTATTCAAACATAATTAGTAAGAAAT-3'
Protein context (NP_008835.5, residues 2012-2032): REAANGDSDG[Pro2022Ala]SYMSSLSYLA

ClinVar aggregate classification (germline): Uncertain significance (1 of 4 stars; one submission).

Submission:

Ambry Genetics
Classification: Uncertain significance. Last evaluated: 2023-01-11. Review status: criteria provided, single submitter. Criteria: Ambry Variant Classification Scheme 2023. Collection method: clinical testing. Allele origin: germline.
Comment: The p.P2022A variant (also known as c.6064C>G), located in coding exon 46 of the PRKDC gene, results from a C to G substitution at nucleotide position 6064. The proline at codon 2022 is replaced by alanine, an amino acid with highly similar properties. This amino acid position is conserved. In addition, this alteration is predicted to be deleterious by in silico analysis. Since supporting evidence is limited at this time, the clinical significance of this alteration remains unclear.